The following is an entry in ClinVar:

ClinVar aggregate classification (germline): Likely benign. Review status: criteria provided, single submitter (1 of 4 stars). 3 submissions from 2 submitters: Likely benign (2). 1 of the submissions does not count toward it. Last evaluated 2018-01-12.

Conditions:
NKX2-1-Related Disorders. Also called: NKX2-1-related disorder. Identifiers: MedGen CN381057.
Brain-lung-thyroid syndrome. Also called: CHOREOATHETOSIS AND CONGENITAL HYPOTHYROIDISM WITH PULMONARY DYSFUNCTION; Choreoathetosis, Congenital Hypothyroidism, and Neonatal Respiratory Distress Syndrome (Brain-Lung-Thyroid Syndrome); Choreoathetosis, congenital hypothyroidism, and neonatal respiratory distress. Identifiers: Orphanet 209905, MedGen C1970269, MONDO:0012593, OMIM 610978.
Benign hereditary chorea (BHC). Also called: Benign Hereditary Chorea (BHC); HEREDITARY PROGRESSIVE CHOREA WITHOUT DEMENTIA. Identifiers: Orphanet 1429, MedGen C0393584, MONDO:0021011, OMIM 118700.

Allele frequency attached by ClinVar (database versions not stated): gnomAD exomes 0.00001 and 0.00002; TOPMed 0.00001; ExAC 0.00002; gnomAD 0.00002.
gnomAD v4.1: 19 of 1,612,216 alleles (0.0012%); highest among the groups gnomAD compares: Non-Finnish European, 0.0014%; no homozygotes.

Submissions (3):

Illumina Laboratory Services, Illumina
Classification: Likely benign for Benign hereditary chorea. Last evaluated: 2018-01-12. Review status: criteria provided, single submitter. Criteria: ICSL Variant Classification Criteria 13 December 2019. Collection method: clinical testing. Allele origin: germline.
Comment: This variant was observed in the ICSL laboratory as part of a predisposition screen in an ostensibly healthy population. It had not been previously curated by ICSL or reported in the Human Gene Mutation Database (HGMD: prior to June 1st, 2018), and was therefore a candidate for classification through an automated scoring system. Utilizing variant allele frequency, disease prevalence and penetrance estimates, and inheritance mode, an automated score was calculated to assess if this variant is too frequent to cause the disease. Based on the score and internal cut-off values, a variant classified as likely benign is not then subjected to further curation. The score for this variant resulted in a classification of likely benign for this disease.

Illumina Laboratory Services, Illumina
Classification: Likely benign for Brain-lung-thyroid syndrome. Last evaluated: 2018-01-12. Review status: criteria provided, single submitter. Criteria: ICSL Variant Classification Criteria 13 December 2019. Collection method: clinical testing. Allele origin: germline.
Comment: the same text as in the submission from Illumina Laboratory Services, Illumina above.

PreventionGenetics, part of Exact Sciences
Classification: Likely benign for NKX2-1-related condition. Last evaluated: 2023-12-21. Review status: no assertion criteria provided. Collection method: clinical testing. Allele origin: germline. Not counted in ClinVar's aggregate classification.
Comment: This variant is classified as likely benign based on ACMG/AMP sequence variant interpretation guidelines (Richards et al. 2015 PMID: 25741868, with internal and published modifications).

NM_001079668.3(NKX2-1):c.657G>A (p.Pro219=)

Genes: NKX2-1 (NK2 homeobox 1; minus strand), SFTA3 (surfactant associated 3; minus strand). Cytogenetic location: 14q13.3.
Variant type: single nucleotide variant.
Coding change: c.657G>A on transcript NM_001079668.3 (MANE Select); coding-DNA position 657, G replaced by A.
Protein change: p.Pro219=; no amino-acid change (proline 219 retained).
Molecular consequence: synonymous variant.
Genome position (GRCh38, 1-based): chr14:36,517,827, C>T on the plus strand (G>A on the coding strand, the complement: NKX2-1 is on the minus strand). VCF-style: chr14-36517827-C-T. GRCh37 (hg19) VCF-style: chr14-36987032-C-T.
Other names: c.567G>A, p.Pro189= (NM_003317.4).
Identifiers: ClinVar variation 313143 (VCV000313143.7), dbSNP rs778886269, ClinGen allele CA7158462.